The following is an entry in ClinVar:

NM_001365951.3(KIF1B):c.3260-4_3260-3del

Gene: KIF1B (kinesin family member 1B; plus strand). Cytogenetic location: 1p36.22.
Variant type: Deletion.
Coding change: c.3260-4_3260-3del on transcript NM_001365951.3 (MANE Select); 4 bases into the intron before coding-DNA position 3260 through 3 bases into the intron before coding-DNA position 3260, 2 bases deleted (TT; older notation c.3260-4_3260-3delTT).
Molecular consequence: intron variant.
Genome position (GRCh38, 1-based): chr1:10,337,367-10,337,368, TT deleted; deleting any 2 consecutive bases within chr1:10,337,366-10,337,368 gives the same sequence; the c. name uses the placement nearest the transcript's 3' end. VCF-style (leftmost placement, unchanged base first): chr1-10337365-CTT-C. GRCh37 (hg19) VCF-style: chr1-10397423-CTT-C.
Other names: c.3122-4_3122-3del (NM_015074.3); c.3260-4_3260-3del (NM_001365952.1); c.3122-4_3122-3delTT (NM_015074.3).
Identifiers: ClinVar variation 3533991 (VCV003533991.1).

ClinVar aggregate classification (germline): Uncertain significance (1 of 4 stars; one submission).

Submission:

Ambry Genetics
Classification: Uncertain significance. Last evaluated: 2024-09-10. Review status: criteria provided, single submitter. Criteria: Ambry Variant Classification Scheme 2023. Collection method: clinical testing. Allele origin: germline.
Comment: The c.3122-4_3122-3delTT intronic variant begins 4 nucleotides before coding exon 28 in the KIF1B gene. This variant results from a deletion of two nucleotides at positions c.3122-4 and c.3122-3. This nucleotide region is conserved in available vertebrate species. In silico splice site analysis predicts that this alteration will not have any significant effect on splicing. The evidence for this gene-disease relationship is limited; therefore, the clinical significance of this alteration is unclear.